The following is an entry in ClinVar:

NM_018109.4(MTPAP):c.655G>A (p.Ala219Thr)

Gene: MTPAP (mitochondrial poly(A) polymerase; minus strand). Cytogenetic location: 10p11.23.
Variant type: single nucleotide variant.
Coding change: c.655G>A on transcript NM_018109.4 (MANE Select); coding-DNA position 655, G replaced by A.
Protein change: p.Ala219Thr; replaces alanine 219 with threonine.
Molecular consequence: missense variant.
Genome position (GRCh38, 1-based): chr10:30,336,928, C>T on the plus strand (G>A on the coding strand, the complement: MTPAP is on the minus strand). VCF-style: chr10-30336928-C-T. GRCh37 (hg19) VCF-style: chr10-30625857-C-T.
Other names: short protein forms A219T.
Identifiers: ClinVar variation 447745 (VCV000447745.3), dbSNP rs775572823, ClinGen allele CA5459137.

ClinVar aggregate classification (germline): Uncertain significance. Review status: criteria provided, multiple submitters, no conflicts (2 of 4 stars). 2 submissions from 2 submitters: Uncertain significance (2). Last evaluated 2021-12-29.

Allele frequency attached by ClinVar (database versions not stated): gnomAD 0.00001; ExAC 0.00002; gnomAD exomes 0.00002.
gnomAD v4.1: 113 of 1,613,232 alleles (0.007%); highest among the groups gnomAD compares: Non-Finnish European, 0.0094%; no homozygotes.

Submissions (2):

Labcorp Genetics (formerly Invitae), Labcorp
Classification: Uncertain significance. Last evaluated: 2021-12-29. Review status: criteria provided, single submitter. Criteria: Invitae Variant Classification Sherloc (09022015). Collection method: clinical testing. Allele origin: germline.
Comment: This sequence change replaces alanine, which is neutral and non-polar, with threonine, which is neutral and polar, at codon 219 of the MTPAP protein (p.Ala219Thr). This variant is present in population databases (rs775572823, gnomAD 0.006%). This variant has not been reported in the literature in individuals affected with MTPAP-related conditions. ClinVar contains an entry for this variant (Variation ID: 447745). Algorithms developed to predict the effect of missense changes on protein structure and function (SIFT, PolyPhen-2, Align-GVGD) all suggest that this variant is likely to be tolerated. In summary, the available evidence is currently insufficient to determine the role of this variant in disease. Therefore, it has been classified as a Variant of Uncertain Significance.

Athena Diagnostics
Classification: Uncertain significance. Last evaluated: 2017-06-20. Review status: criteria provided, single submitter. Criteria: Athena Diagnostics Criteria. Collection method: clinical testing. Allele origin: germline.